The following is an entry in ClinVar:

ClinVar aggregate classification (germline): Uncertain significance (1 of 4 stars; one submission).

Conditions:
RYR1-related disorder. Also called: RYR1-related condition; RYR1-related disorders. Identifiers: MedGen CN239331.

Submission:

Labcorp Genetics (formerly Invitae), Labcorp
Classification: Uncertain significance for RYR1-related disorder. Last evaluated: 2022-11-01. Review status: criteria provided, single submitter. Criteria: Invitae Variant Classification Sherloc (09022015). Collection method: clinical testing. Allele origin: germline.
Comment: In summary, the available evidence is currently insufficient to determine the role of this variant in disease. Therefore, it has been classified as a Variant of Uncertain Significance. Advanced modeling of protein sequence and biophysical properties (such as structural, functional, and spatial information, amino acid conservation, physicochemical variation, residue mobility, and thermodynamic stability) has been performed at Invitae for this missense variant, however the output from this modeling did not meet the statistical confidence thresholds required to predict the impact of this variant on RYR1 protein function. ClinVar contains an entry for this variant (Variation ID: 1506894). This variant has not been reported in the literature in individuals affected with RYR1-related conditions. This variant is not present in population databases (gnomAD no frequency). This sequence change replaces glutamic acid, which is acidic and polar, with lysine, which is basic and polar, at codon 228 of the RYR1 protein (p.Glu228Lys).

NM_000540.3(RYR1):c.682G>A (p.Glu228Lys)

Gene: RYR1 (ryanodine receptor 1; plus strand). Cytogenetic location: 19q13.2.
Variant type: single nucleotide variant.
Coding change: c.682G>A on transcript NM_000540.3 (MANE Select); coding-DNA position 682, G replaced by A.
Protein change: p.Glu228Lys; replaces glutamic acid 228 with lysine.
Molecular consequence: missense variant.
Genome position (GRCh38, 1-based): chr19:38,446,522, G>A. VCF-style: chr19-38446522-G-A. GRCh37 (hg19) VCF-style: chr19-38937162-G-A.
Other names: c.682G>A, p.Glu228Lys (NM_001042723.2); short protein forms E228K.
Identifiers: ClinVar variation 1506894 (VCV001506894.6), dbSNP rs2145351033, ClinGen allele CA405679608.